The following is an entry in ClinVar:

ClinVar aggregate classification (germline): Uncertain significance (1 of 4 stars; one submission).

Conditions:
Myofibrillar myopathy 3 (MFM3). Also called: Autosomal dominant spheroid body myopathy; Muscular dystrophy, proximal, type 1A. Identifiers: Orphanet 266, Orphanet 268129, MedGen C3714934, MONDO:0012215, OMIM 609200.

Submission:

Labcorp Genetics (formerly Invitae), Labcorp
Classification: Uncertain significance for Myofibrillar myopathy 3. Last evaluated: 2022-06-17. Review status: criteria provided, single submitter. Criteria: Invitae Variant Classification Sherloc (09022015). Collection method: clinical testing. Allele origin: germline.
Comment: In summary, the available evidence is currently insufficient to determine the role of this variant in disease. Therefore, it has been classified as a Variant of Uncertain Significance. Algorithms developed to predict the effect of missense changes on protein structure and function (SIFT, PolyPhen-2, Align-GVGD) all suggest that this variant is likely to be tolerated. This variant has not been reported in the literature in individuals affected with MYOT-related conditions. This variant is not present in population databases (gnomAD no frequency). This sequence change replaces aspartic acid, which is acidic and polar, with glutamic acid, which is acidic and polar, at codon 106 of the MYOT protein (p.Asp106Glu).

NM_006790.3(MYOT):c.318T>A (p.Asp106Glu)

Genes: PKD2L2-DT (PKD2L2 divergent transcript; minus strand), MYOT (myotilin; plus strand). Cytogenetic location: 5q31.2.
Variant type: single nucleotide variant.
Coding change: c.318T>A on transcript NM_006790.3 (MANE Select); coding-DNA position 318, T replaced by A.
Protein change: p.Asp106Glu; replaces aspartic acid 106 with glutamic acid.
Molecular consequence: missense variant. On other transcripts: 5 prime UTR variant (1), intron variant (1).
Genome position (GRCh38, 1-based): chr5:137,870,969, T>A. VCF-style: chr5-137870969-T-A. GRCh37 (hg19) VCF-style: chr5-137206658-T-A.
Other names: c.-28T>A (NM_001300911.2); c.-197+444T>A (NM_001135940.2); short protein forms D106E.
Identifiers: ClinVar variation 2102639 (VCV002102639.4), dbSNP rs753980297, ClinGen allele CA361053713.